The following is an entry in ClinVar:

NM_170606.3(KMT2C):c.8014T>G (p.Ser2672Ala)

Gene: KMT2C (lysine methyltransferase 2C; minus strand). Cytogenetic location: 7q36.1.
Variant type: single nucleotide variant.
Coding change: c.8014T>G on transcript NM_170606.3 (MANE Select); coding-DNA position 8014, T replaced by G.
Protein change: p.Ser2672Ala; replaces serine 2672 with alanine.
Molecular consequence: missense variant.
Genome position (GRCh38, 1-based): chr7:152,177,439, A>C on the plus strand (T>G on the coding strand, the complement: KMT2C is on the minus strand). VCF-style: chr7-152177439-A-C. GRCh37 (hg19) VCF-style: chr7-151874524-A-C.
Other names: short protein forms S2672A.
Identifiers: ClinVar variation 4998792 (VCV004998792.1).

ClinVar aggregate classification (germline): Uncertain significance (1 of 4 stars; one submission).

Conditions:
KMT2C-related disorder. Also called: KMT2C-related condition; KMT2C-related disorders.

Submission:

PreventionGenetics, part of Exact Sciences
Classification: Uncertain significance for KMT2C-related condition. Last evaluated: 2024-12-03. Review status: criteria provided, single submitter. Criteria: ACMG Guidelines, 2015. Collection method: clinical testing. Allele origin: germline.
Comment: The KMT2C c.8014T>G variant is predicted to result in the amino acid substitution p.Ser2672Ala. To our knowledge, this variant has not been reported in the literature or in a large population database (gnomAD), indicating this variant is rare. At this time, the clinical significance of this variant is uncertain due to the absence of conclusive functional and genetic evidence.